The following is an entry in ClinVar:

GRCh38/hg38 15q11.2-13.1(chr15:22612582-28435882)x4

Genes: ATP10A (ATPase phospholipid transporting 10A (putative); minus strand), ATP10A-DT (ATP10A divergent transcript; plus strand), CYFIP1 (cytoplasmic FMR1 interacting protein 1; minus strand), GABRA5 (gamma-aminobutyric acid type A receptor subunit alpha5; plus strand), GABRB3 (gamma-aminobutyric acid type A receptor subunit beta3; minus strand) and 167 more. Cytogenetic location: 15q11.2-13.1.
Variant type: copy number gain.
Change: copy number 4 of chr15:22,612,582-28,435,882 (5.82 Mb, GRCh38 coordinates, 1-based), cytogenetic band 15q11.2-13.1.
Identifiers: ClinVar variation 3062005 (VCV003062005.1).

ClinVar aggregate classification (germline): Pathogenic (1 of 4 stars; one submission).

Conditions:
15q11q13 microduplication syndrome. Also called: Chromosome 15q11-q13 duplication syndrome; DUPLICATION 15q11-q13 SYNDROME; Maternal 15q Duplication Syndrome; 15q11.2-q13.1 Duplication Syndrome. Identifiers: Orphanet 238446, MedGen C2675336, MONDO:0012081, OMIM 608636.

Submission:

Unidad de Genómica Garrahan, Hospital de Pediatría Garrahan
Classification: Pathogenic for 15q11q13 microduplication syndrome. Last evaluated: 2024-01-15. Review status: criteria provided, single submitter. Criteria: ACMG/ClinGen CNV Guidelines, 2019. Collection method: clinical testing. Allele origin: de novo. Affected: yes.
Comment: Maternal isodicentric chromosome 15 (idic(15)) The variant was initially identified through a Next Generation Sequencing (NGS) gene panel with bioinformatic prediction of copy number variants (CNVs), sequenced on a MiSeq sequencer. Subsequently, it was confirmed using multiplex ligation-dependent probe amplification (MLPA, SALSA MLPA Probemix ME028 Prader-Willi/Angelman version C1), which includes both copy number variations and methylation status of the 15q11 region. The observed copy number gains were as follows: symmetrical breakpoints cen-BP3 (4 copies). Additionally, this copy number gain was also studied through karyotype (Giemsa-Trypsin banding from peripheral blood lymphocytes using standard G-banding-procedures) and fluorescence in situ hybridization (FISH, on metaphase chromosomes and interphase nucleus, using the Prader-Willi/Angelman Critical Region probe SNRPN; Vysis, Abbott Laboratories, USA). Finally, the genomic content of this chromosomal rearrangement was characterized by array comparative genomic hybridization (a-CGH, SurePrint G3 Unrestricted CGH ISCA v2, 8x60K oligo-array; Analysis software: Agilent CytoGenomics 5.2.1.4; Equipment: SureScan Microarray Scanner, Agilent Technologies, USA). 47,XY,+mar.ish idic(15)(q12)(SNRPN++)dn.arr[GRCh38] 15q11.2q13.1(22612582_28435882)x4